The following is an entry in ClinVar:

ClinVar aggregate classification (germline): Benign/Likely benign. Review status: criteria provided, multiple submitters, no conflicts (2 of 4 stars). 3 submissions from 3 submitters: Benign (1); Likely benign (2). Last evaluated 2024-08-12.

Conditions:
Brachydactyly type A1. Also called: FARABEE-TYPE BRACHYDACTYLY; SHORT STATURE WITH NONSPECIFIC SKELETAL ABNORMALITIES 2. Identifiers: Orphanet 93388, MedGen C1862151, MONDO:0007215, OMIM 112500, HP:0009371.

Allele frequency attached by ClinVar (database versions not stated): 1000 Genomes Project 30x 0.00031; 1000 Genomes Project 0.00040; TOPMed 0.00045; gnomAD 0.00046 and 0.00048; gnomAD exomes 0.00051 and 0.00076; ExAC 0.00089.

Submissions (3):

Blueprint Genetics
Classification: Likely benign. Last evaluated: 2024-08-12. Review status: criteria provided, single submitter. Criteria: ACMG Guidelines, 2015. Collection method: clinical testing. Allele origin: germline.

Labcorp Genetics (formerly Invitae), Labcorp
Classification: Likely benign. Last evaluated: 2020-01-30. Review status: criteria provided, single submitter. Criteria: Invitae Variant Classification Sherloc (09022015). Collection method: clinical testing. Allele origin: germline.

Illumina Laboratory Services, Illumina
Classification: Benign for Brachydactyly type A1. Last evaluated: 2018-01-13. Review status: criteria provided, single submitter. Criteria: ICSL Variant Classification Criteria 13 December 2019. Collection method: clinical testing. Allele origin: germline.
Comment: This variant was observed in the ICSL laboratory as part of a predisposition screen in an ostensibly healthy population. It had not been previously curated by ICSL or reported in the Human Gene Mutation Database (HGMD: prior to June 1st, 2018), and was therefore a candidate for classification through an automated scoring system. Utilizing variant allele frequency, disease prevalence and penetrance estimates, and inheritance mode, an automated score was calculated to assess if this variant is too frequent to cause the disease. Based on the score and internal cut-off values, a variant classified as benign is not then subjected to further curation. The score for this variant resulted in a classification of benign for this disease.

NM_002181.4(IHH):c.229C>A (p.Arg77Ser)

Gene: IHH (Indian hedgehog signaling molecule; minus strand). Cytogenetic location: 2q35.
Variant type: single nucleotide variant.
Coding change: c.229C>A on transcript NM_002181.4 (MANE Select); coding-DNA position 229, C replaced by A.
Protein change: p.Arg77Ser; replaces arginine 77 with serine.
Molecular consequence: missense variant.
Genome position (GRCh38, 1-based): chr2:219,060,239, G>T on the plus strand (C>A on the coding strand, the complement: IHH is on the minus strand). VCF-style: chr2-219060239-G-T. GRCh37 (hg19) VCF-style: chr2-219924961-G-T.
Other names: short protein forms R77S.
Identifiers: ClinVar variation 334444 (VCV000334444.9), dbSNP rs142036701, ClinGen allele CA2116748.
Genomic context (GRCh38, chr2:219,060,239, plus strand): 5'-TGTTCTCCTCGTCCTTGAAGATGATGTCTGGATTGTAATTGGGGGTGAGCTCCTTGAAGC[G>T]CTCGGAGCTGCGAGCGATCTTGCCTTCATAGCGTCCGCTGGCGCCCAGGGTCTTCTCGGG-3'
Protein context (NP_002172.2, residues 67-87): YEGKIARSSE[Arg77Ser]FKELTPNYNP